The following is an entry in ClinVar:

ClinVar aggregate classification (germline): Uncertain significance (1 of 4 stars; one submission).

Submission:

Ambry Genetics
Classification: Uncertain significance. Last evaluated: 2022-04-03. Review status: criteria provided, single submitter. Criteria: Ambry Variant Classification Scheme 2023. Collection method: clinical testing. Allele origin: germline.
Comment: The p.N1548S variant (also known as c.4643A>G), located in coding exon 41 of the KIF1B gene, results from an A to G substitution at nucleotide position 4643. The asparagine at codon 1548 is replaced by serine, an amino acid with highly similar properties. This amino acid position is conserved. In addition, this alteration is predicted to be tolerated by in silico analysis. Since supporting evidence is limited at this time, the clinical significance of this alteration remains unclear.

NM_001365951.3(KIF1B):c.4781A>G (p.Asn1594Ser)

Gene: KIF1B (kinesin family member 1B; plus strand). Cytogenetic location: 1p36.22.
Variant type: single nucleotide variant.
Coding change: c.4781A>G on transcript NM_001365951.3 (MANE Select); coding-DNA position 4781, A replaced by G.
Protein change: p.Asn1594Ser; replaces asparagine 1594 with serine.
Molecular consequence: missense variant.
Genome position (GRCh38, 1-based): chr1:10,368,495, A>G. VCF-style: chr1-10368495-A-G. GRCh37 (hg19) VCF-style: chr1-10428553-A-G.
Other names: c.4781A>G, p.Asn1594Ser (NM_001365952.1); c.4643A>G, p.Asn1548Ser (NM_015074.3); short protein forms N1548S, N1594S.
Identifiers: ClinVar variation 1742128 (VCV001742128.2), dbSNP rs2521934697, ClinGen allele CA338324186.